The following is an entry in ClinVar:

NM_001297.5(CNGB1):c.376G>C (p.Ala126Pro)

Gene: CNGB1 (cyclic nucleotide gated channel subunit beta 1; minus strand). Cytogenetic location: 16q21.
Variant type: single nucleotide variant.
Coding change: c.376G>C on transcript NM_001297.5 (MANE Select); coding-DNA position 376, G replaced by C.
Protein change: p.Ala126Pro; replaces alanine 126 with proline.
Molecular consequence: missense variant.
Genome position (GRCh38, 1-based): chr16:57,962,979, C>G on the plus strand (G>C on the coding strand, the complement: CNGB1 is on the minus strand). VCF-style: chr16-57962979-C-G. GRCh37 (hg19) VCF-style: chr16-57996883-C-G.
Other names: c.376G>C, p.Ala126Pro (NM_001135639.2, NM_001286130.2); short protein forms A126P.
Identifiers: ClinVar variation 888555 (VCV000888555.15), dbSNP rs200332871, ClinGen allele CA8083878.

ClinVar aggregate classification (germline): Conflicting classifications of pathogenicity. Review status: criteria provided, conflicting classifications (1 of 4 stars). 4 submissions from 4 submitters: Uncertain significance (1); Benign (1); Likely benign (1). 1 of the submissions does not count toward it. Last evaluated 2026-02-02.

Conditions:
CNGB1-related disorder. Also called: CNGB1-related condition.
Retinitis pigmentosa (RP). Identifiers: Orphanet 791, MedGen C0035334, MeSH D012174, MONDO:0019200, OMIM 268000. Inheritance: Autosomal dominant, autosomal recessive and X linked inheritance.

Allele frequency attached by ClinVar (database versions not stated): gnomAD exomes 0.00022 and 0.00052; ExAC 0.00065; 1000 Genomes Project 0.00140; 1000 Genomes Project 30x 0.00187; gnomAD 0.00204 and 0.00219; ESP Exome Variant Server 0.00226; TOPMed 0.00235.
gnomAD v4.1: 640 of 1,613,326 alleles (0.04%); highest among the groups gnomAD compares: African/African-American, 0.77%; 1 homozygote.

Submissions (4):

Labcorp Genetics (formerly Invitae), Labcorp
Classification: Benign. Last evaluated: 2026-02-02. Review status: criteria provided, single submitter. Criteria: Invitae Variant Classification Sherloc (09022015). Collection method: clinical testing. Allele origin: germline.

Blueprint Genetics
Classification: Likely benign. Last evaluated: 2024-11-05. Review status: criteria provided, single submitter. Criteria: ACMG Guidelines, 2015. Collection method: clinical testing. Allele origin: germline.

Illumina Laboratory Services, Illumina
Classification: Uncertain significance for Retinitis pigmentosa. Last evaluated: 2018-01-13. Review status: criteria provided, single submitter. Criteria: ICSL Variant Classification Criteria 13 December 2019. Collection method: clinical testing. Allele origin: germline.

PreventionGenetics, part of Exact Sciences
Classification: Benign for CNGB1-related condition. Last evaluated: 2019-10-25. Review status: no assertion criteria provided. Collection method: clinical testing. Allele origin: germline. Not counted in ClinVar's aggregate classification.
Comment: This variant is classified as benign based on ACMG/AMP sequence variant interpretation guidelines (Richards et al. 2015 PMID: 25741868, with internal and published modifications).